The following is an entry in ClinVar:

ClinVar aggregate classification (germline): Pathogenic. Review status: criteria provided, multiple submitters, no conflicts (2 of 4 stars). 7 submissions from 7 submitters: Pathogenic (7). Last evaluated 2026-03-16.

Conditions:
TRMU-related disorder. Also called: TRMU-related condition.
Aminoglycoside-induced deafness. Also called: DEAFNESS, STREPTOMYCIN-INDUCED; STREPTOMYCIN OTOTOXICITY; MT-RNR1-Related Hearing Loss and Deafness. Identifiers: Orphanet 168609, MedGen C1838854, MONDO:0010799, OMIM 580000.
Acute infantile liver failure due to synthesis defect of mtDNA-encoded proteins. Also called: LIVER FAILURE, INFANTILE, TRANSIENT; Liver failure acute infantile; TRMU Deficiency. Identifiers: Orphanet 217371, MedGen C3278664, MONDO:0013111, OMIM 613070.

Allele frequency attached by ClinVar (database versions not stated): TOPMed below 0.00001; gnomAD 0.00001; ESP Exome Variant Server 0.00008.
gnomAD v4.1: 18 of 1,614,018 alleles (0.0011%); highest among the groups gnomAD compares: South Asian, 0.0055%; no homozygotes.

Submissions (7):

Women's Health and Genetics/Laboratory Corporation of America, LabCorp
Classification: Pathogenic for Acute infantile liver failure due to synthesis defect of mtDNA-encoded proteins. Last evaluated: 2026-03-16. Review status: criteria provided, single submitter. Criteria: LabCorp Variant Classification Summary - May 2015. Collection method: clinical testing. Allele origin: germline.
Comment: Variant summary: TRMU c.718C>T (p.Arg240X) results in a premature termination codon, predicted to cause a truncation of the encoded protein or absence of the protein due to nonsense mediated decay, which are commonly known mechanisms for disease. The variant was absent in 251494 control chromosomes. c.718C>T has been observed in individual(s) with abnormality of the mitochondrion. To our knowledge, no experimental evidence demonstrating an impact on protein function has been reported. The following publication have been ascertained in the context of this evaluation (PMID: 26633542). ClinVar contains an entry for this variant (Variation ID: 215287). Based on the evidence outlined above, the variant was classified as pathogenic.

Natera, Inc.
Classification: Pathogenic for Acute infantile liver failure due to synthesis defect of mtDNA-encoded proteins. Last evaluated: 2025-08-22. Review status: criteria provided, single submitter. Criteria: Natera Variant Classification Schema (03/2026). Collection method: clinical testing. Allele origin: germline.
Comment: The c.718C>T variant in TRMU is a nonsense variant predicted to introduce a stop codon at amino acid 240. This variant is expected to result in nonsense mediated decay, truncation, or a dysfunctional protein product. This variant is rare in the general population with a frequency below the threshold expected for the associated phenotype(s). This variant has been observed in one or more individuals affected with the associated recessive disease, as either homozygous or compound heterozygous with a second variant (PMID: 28252636). Given the available evidence, this variant is classified as Pathogenic.

Blueprint Genetics
Classification: Pathogenic for TRMU-related disorders. Last evaluated: 2024-09-30. Review status: criteria provided, single submitter. Criteria: ACMG Guidelines, 2015. Collection method: clinical testing. Allele origin: germline. Affected: yes. Observed: 2 variant alleles.

Labcorp Genetics (formerly Invitae), Labcorp
Classification: Pathogenic. Last evaluated: 2024-02-06. Review status: criteria provided, single submitter. Criteria: Invitae Variant Classification Sherloc (09022015). Collection method: clinical testing. Allele origin: germline.
Comment: This sequence change creates a premature translational stop signal (p.Arg240*) in the TRMU gene. It is expected to result in an absent or disrupted protein product. Loss-of-function variants in TRMU are known to be pathogenic (PMID: 19732863, 23625533). This variant is present in population databases (rs367683258, gnomAD 0.0009%). This premature translational stop signal has been observed in individual(s) with clinical features of TRMU-related conditions (PMID: 26633542, 28252636). ClinVar contains an entry for this variant (Variation ID: 215287). Algorithms developed to predict the effect of sequence changes on RNA splicing suggest that this variant may disrupt the consensus splice site. For these reasons, this variant has been classified as Pathogenic.

Baylor Genetics
Classification: Pathogenic for Aminoglycoside-induced deafness. Last evaluated: 2023-06-18. Review status: criteria provided, single submitter. Criteria: ACMG Guidelines, 2015. Collection method: clinical testing. Allele origin: unknown.

GeneDx
Classification: Pathogenic. Last evaluated: 2014-04-02. Review status: criteria provided, single submitter. Criteria: GeneDx Variant Classification (06012015). Collection method: clinical testing. Allele origin: germline. Affected: yes.
Comment: p.Arg240Stop (R240X) CGA>TGA: c.718 C>T in exon 7 of the TRMU gene (NM_018006.4). The R240X nonsense mutation in the TRMU gene has not been reported previously as a disease-causing mutation nor as a benign polymorphism, to our knowledge. This mutation is predicted to cause loss of normal protein function either through protein truncation or nonsense-mediated mRNA decay. Although this mutation has not been reported previously, other protein truncating mutations in the TRMU gene have been reported in association with infantile liver failure or combined respiratory chain deficiency. The variant is found in LAPDH-MITOP panel(s).

Juno Genomics, Hangzhou Juno Genomics, Inc
Classification: Pathogenic for Acute infantile liver failure due to synthesis defect of mtDNA-encoded proteins. Review status: criteria provided, single submitter. Criteria: ACMG Guidelines, 2015. Collection method: clinical testing. Allele origin: germline. Affected: yes.
Comment: Absent from controls (or at extremely low frequency if recessive) in Genome Aggregation Database, Exome Sequencing Project, 1000 Genomes Project, or Exome Aggregation Consortium.;Null variant in a gene where loss of function (LOF) is a known mechanism of disease.;For recessive disorders, detected in trans with a pathogenic variant.;Patient's phenotype or family history is highly specific for a disease with a single genetic etiology.

Literature cited by the submitters: PubMed 26633542 (cited by Women's Health and Genetics/Laboratory Corporation of America, LabCorp and Labcorp Genetics (formerly Invitae), Labcorp); PubMed 28252636 (cited by Natera, Inc. and Labcorp Genetics (formerly Invitae), Labcorp); PubMed 19732863 (cited by Labcorp Genetics (formerly Invitae), Labcorp); PubMed 23625533 (cited by Labcorp Genetics (formerly Invitae), Labcorp).

NM_018006.5(TRMU):c.718C>T (p.Arg240Ter)

Gene: TRMU (tRNA mitochondrial 2-thiouridylase; plus strand). Cytogenetic location: 22q13.31.
Variant type: single nucleotide variant.
Coding change: c.718C>T on transcript NM_018006.5 (MANE Select); coding-DNA position 718, C replaced by T.
Protein change: p.Arg240Ter; replaces arginine 240 with a stop codon.
Molecular consequence: nonsense. On other transcripts: non-coding transcript variant (2).
Genome position (GRCh38, 1-based): chr22:46,352,276, C>T. VCF-style: chr22-46352276-C-T. GRCh37 (hg19) VCF-style: chr22-46748173-C-T.
Other names: c.376C>T, p.Arg126Ter (NM_001282782.2); c.298C>T, p.Arg100Ter (NM_001282783.2, NM_001282784.2); c.718C>T, p.Arg240Ter (NM_001282785.2); short protein forms R240*, R126*, R100*.
Identifiers: ClinVar variation 215287 (VCV000215287.17), dbSNP rs367683258, ClinGen allele CA324933.